The following is an entry in ClinVar:

NM_139076.3(ABRAXAS1):c.1112A>C (p.Lys371Thr)

Gene: ABRAXAS1 (abraxas 1, BRCA1 A complex subunit; minus strand). Cytogenetic location: 4q21.23.
Variant type: single nucleotide variant.
Coding change: c.1112A>C on transcript NM_139076.3 (MANE Select); coding-DNA position 1112, A replaced by C.
Protein change: p.Lys371Thr; replaces lysine 371 with threonine.
Molecular consequence: missense variant.
Genome position (GRCh38, 1-based): chr4:83,462,587, T>G on the plus strand (A>C on the coding strand, the complement: ABRAXAS1 is on the minus strand). VCF-style: chr4-83462587-T-G. GRCh37 (hg19) VCF-style: chr4-84383740-T-G.
Other names: c.785A>C, p.Lys262Thr (NM_001345962.2); short protein forms K262T, K371T.
Identifiers: ClinVar variation 1799632 (VCV001799632.2), dbSNP rs745512435, ClinGen allele CA2990372.

ClinVar aggregate classification (germline): Uncertain significance (1 of 4 stars; one submission).

Allele frequency attached by ClinVar (database versions not stated): gnomAD exomes below 0.00001; ExAC 0.00001.
gnomAD v4.1: 7 of 1,614,178 alleles (0.00043%); highest among the groups gnomAD compares: Non-Finnish European, 0.00059%; no homozygotes.

Submission:

Ambry Genetics
Classification: Uncertain significance. Last evaluated: 2023-12-29. Review status: criteria provided, single submitter. Criteria: Ambry Variant Classification Scheme 2023. Collection method: clinical testing. Allele origin: germline.
Comment: The p.K371T variant (also known as c.1112A>C), located in coding exon 9 of the FAM175A gene, results from an A to C substitution at nucleotide position 1112. The lysine at codon 371 is replaced by threonine, an amino acid with similar properties. This amino acid position is conserved. In addition, this alteration is predicted to be tolerated by in silico analysis. Since supporting evidence is limited at this time, the clinical significance of this alteration remains unclear.